The following is an entry in ClinVar:

NM_000350.3(ABCA4):c.5486T>C (p.Leu1829Pro)

Gene: ABCA4 (ATP binding cassette subfamily A member 4; minus strand). Cytogenetic location: 1p22.1.
Variant type: single nucleotide variant.
Coding change: c.5486T>C on transcript NM_000350.3 (MANE Select); coding-DNA position 5486, T replaced by C.
Protein change: p.Leu1829Pro; replaces leucine 1829 with proline.
Molecular consequence: missense variant.
Genome position (GRCh38, 1-based): chr1:94,011,360, A>G on the plus strand (T>C on the coding strand, the complement: ABCA4 is on the minus strand). VCF-style: chr1-94011360-A-G. GRCh37 (hg19) VCF-style: chr1-94476916-A-G.
Other names: c.5264T>C, p.Leu1755Pro (NM_001425324.1); short protein forms L1829P, L1755P.
Identifiers: ClinVar variation 2779966 (VCV002779966.5), dbSNP rs2523657983, ClinGen allele CA341281159.

ClinVar aggregate classification (germline): Conflicting classifications of pathogenicity. Review status: criteria provided, conflicting classifications (1 of 4 stars). 2 submissions from 2 submitters: Pathogenic (1); Uncertain significance (1). Last evaluated 2023-02-07.

Conditions:
Cone-rod dystrophy 3 (CORD3). Identifiers: Orphanet 1872, MedGen C1858806, MONDO:0011395, OMIM 604116.
Age related macular degeneration 2. Also called: MACULAR DEGENERATION, SENILE; MACULOPATHY, AGE-RELATED, 2; MACULOPATHY, AGE-RELATED. Identifiers: MedGen C3495438, MONDO:0007932, OMIM 153800.
Severe early-childhood-onset retinal dystrophy (STGD1). Also called: Stargardt macular dystrophy; Juvenile onset macular degeneration; Stargardt disease 1; MACULAR DYSTROPHY WITH FLECKS, TYPE 1; STGD. Identifiers: Orphanet 364055, Orphanet 827, MedGen C1855465, MeSH D000080362, MONDO:0009549, OMIM 248200.
Retinitis pigmentosa 19 (RP19). Also called: ABCA4-Related Retinitis Pigmentosa. Identifiers: Orphanet 791, MedGen C1866422, MONDO:0011137, OMIM 601718.

Submissions (2):

Labcorp Genetics (formerly Invitae), Labcorp
Classification: Pathogenic. Last evaluated: 2023-02-07. Review status: criteria provided, single submitter. Criteria: Invitae Variant Classification Sherloc (09022015). Collection method: clinical testing. Allele origin: germline.
Comment: For these reasons, this variant has been classified as Pathogenic. Advanced modeling of protein sequence and biophysical properties (such as structural, functional, and spatial information, amino acid conservation, physicochemical variation, residue mobility, and thermodynamic stability) performed at Invitae indicates that this missense variant is expected to disrupt ABCA4 protein function. This missense change has been observed in individual(s) with Stargardt disease (PMID: 32845068). In at least one individual the data is consistent with being in trans (on the opposite chromosome) from a pathogenic variant. This variant is not present in population databases (gnomAD no frequency). This sequence change replaces leucine, which is neutral and non-polar, with proline, which is neutral and non-polar, at codon 1829 of the ABCA4 protein (p.Leu1829Pro).

Juno Genomics, Hangzhou Juno Genomics, Inc
Classification: Uncertain significance for Cone-rod dystrophy 3; Severe early-childhood-onset retinal dystrophy; Retinitis pigmentosa 19; Age related macular degeneration 2. Review status: criteria provided, single submitter. Criteria: ACMG Guidelines, 2015. Collection method: clinical testing. Allele origin: germline. Affected: yes.
Comment: Absent from controls (or at extremely low frequency if recessive) in Genome Aggregation Database, Exome Sequencing Project, 1000 Genomes Project, or Exome Aggregation Consortium.;Multiple lines of computational evidence support a deleterious effect on the gene or gene product (conservation, evolutionary, splicing impact, etc).;Patient's phenotype or family history is highly specific for a disease with a single genetic etiology.

Literature cited by the submitters: PubMed 32845068 (cited by Labcorp Genetics (formerly Invitae), Labcorp).